The following is an entry in ClinVar:

NM_025137.4(SPG11):c.6758A>G (p.Asp2253Gly)

Gene: SPG11 (SPG11 vesicle trafficking associated, spatacsin; minus strand). Cytogenetic location: 15q21.1.
Variant type: single nucleotide variant.
Coding change: c.6758A>G on transcript NM_025137.4 (MANE Select); coding-DNA position 6758, A replaced by G.
Protein change: p.Asp2253Gly; replaces aspartic acid 2253 with glycine.
Molecular consequence: missense variant.
Genome position (GRCh38, 1-based): chr15:44,566,302, T>C on the plus strand (A>G on the coding strand, the complement: SPG11 is on the minus strand). VCF-style: chr15-44566302-T-C. GRCh37 (hg19) VCF-style: chr15-44858500-T-C.
Other names: c.6419A>G, p.Asp2140Gly (NM_001160227.2); short protein forms D2253G, D2140G.
Identifiers: ClinVar variation 861901 (VCV000861901.10), dbSNP rs761230564, ClinGen allele CA392213951.

ClinVar aggregate classification (germline): Uncertain significance. Review status: criteria provided, multiple submitters, no conflicts (2 of 4 stars). 2 submissions from 2 submitters: Uncertain significance (2). Last evaluated 2026-06-01.

Conditions:
Hereditary spastic paraplegia 11. Also called: SPASTIC PARAPLEGIA, AUTOSOMAL RECESSIVE, COMPLICATED, WITH THIN CORPUS CALLOSUM; SPASTIC PARAPLEGIA, AUTOSOMAL RECESSIVE, WITH MENTAL IMPAIRMENT AND THIN CORPUS CALLOSUM; Spastic Paraplegia 11; Nakamura Osame syndrome; Autosomal recessive hereditary spastic paraplegia, mental impairment, and thin corpus callosum; Spastic paraplegia, mental retardation and thin corpus callosum. Identifiers: Orphanet 2822, MedGen C1858479, MONDO:0011445, OMIM 604360.

gnomAD v4.1: 3 of 1,613,984 alleles (0.00019%); highest among the groups gnomAD compares: Non-Finnish European, 0.00025%; no homozygotes.

Submissions (2):

CeGaT Center for Human Genetics Tuebingen
Classification: Uncertain significance. Last evaluated: 2026-06-01. Review status: criteria provided, single submitter. Criteria: CeGaT Center For Human Genetics Tuebingen Variant Classification Criteria Version 2. Collection method: clinical testing. Allele origin: germline. Affected: yes. Observed: 1 variant allele.
Comment: SPG11: PM2, BP4

Labcorp Genetics (formerly Invitae), Labcorp
Classification: Uncertain significance for Hereditary spastic paraplegia 11. Last evaluated: 2019-11-29. Review status: criteria provided, single submitter. Criteria: Invitae Variant Classification Sherloc (09022015). Collection method: clinical testing. Allele origin: germline.
Comment: Algorithms developed to predict the effect of missense changes on protein structure and function are either unavailable or do not agree on the potential impact of this missense change (SIFT: "Deleterious"; PolyPhen-2: "Possibly Damaging"; Align-GVGD: "Class C15"). In summary, the available evidence is currently insufficient to determine the role of this variant in disease. Therefore, it has been classified as a Variant of Uncertain Significance. This variant has not been reported in the literature in individuals with SPG11-related conditions. This variant is not present in population databases (ExAC no frequency). This sequence change replaces aspartic acid with glycine at codon 2253 of the SPG11 protein (p.Asp2253Gly). The aspartic acid residue is moderately conserved and there is a moderate physicochemical difference between aspartic acid and glycine.